The following is an entry in ClinVar:

ClinVar aggregate classification (germline): Uncertain significance. Review status: criteria provided, multiple submitters, no conflicts (2 of 4 stars). 5 submissions from 5 submitters: Uncertain significance (5). Last evaluated 2025-11-12.

Conditions:
Inborn genetic diseases. Identifiers: MedGen C0950123, MeSH D030342.
Hereditary spastic paraplegia 47. Also called: Spastic paraplegia 47, autosomal recessive; CEREBRAL PALSY, SPASTIC QUADRIPLEGIC, 5; adaptor protein 4 (AP-4) deficiency syndrome. Identifiers: Orphanet 280763, MedGen C3279738, MONDO:0013551, OMIM 614066.

Allele frequency attached by ClinVar (database versions not stated): gnomAD 0.00002; TOPMed 0.00003; ExAC 0.00004; gnomAD exomes 0.00005; ESP Exome Variant Server 0.00008.

Submissions (5):

Labcorp Genetics (formerly Invitae), Labcorp
Classification: Uncertain significance for Hereditary spastic paraplegia 47. Last evaluated: 2025-11-12. Review status: criteria provided, single submitter. Criteria: Invitae Variant Classification Sherloc (09022015). Collection method: clinical testing. Allele origin: germline.
Comment: This sequence change replaces arginine, which is basic and polar, with cysteine, which is neutral and slightly polar, at codon 224 of the AP4B1 protein (p.Arg224Cys). This variant is present in population databases (rs138216814, gnomAD 0.03%). This variant has not been reported in the literature in individuals affected with AP4B1-related conditions. ClinVar contains an entry for this variant (Variation ID: 210196). Invitae Evidence Modeling of protein sequence and biophysical properties (such as structural, functional, and spatial information, amino acid conservation, physicochemical variation, residue mobility, and thermodynamic stability) indicates that this missense variant is expected to disrupt AP4B1 protein function with a positive predictive value of 80%. In summary, the available evidence is currently insufficient to determine the role of this variant in disease. Therefore, it has been classified as a Variant of Uncertain Significance.

Blueprint Genetics
Classification: Uncertain significance. Last evaluated: 2024-09-17. Review status: criteria provided, single submitter. Criteria: ACMG Guidelines, 2015. Collection method: clinical testing. Allele origin: germline.

Ambry Genetics
Classification: Uncertain significance for Inborn genetic diseases. Last evaluated: 2024-04-05. Review status: criteria provided, single submitter. Criteria: Ambry Variant Classification Scheme 2023. Collection method: clinical testing. Allele origin: germline.

Genome-Nilou Lab
Classification: Uncertain significance for Hereditary spastic paraplegia 47. Last evaluated: 2023-04-11. Review status: criteria provided, single submitter. Criteria: ACMG Guidelines, 2015. Collection method: clinical testing. Allele origin: germline. Affected: no.

Genetic Services Laboratory, University of Chicago
Classification: Uncertain significance. Last evaluated: 2014-10-20. Review status: criteria provided, single submitter. Criteria: ACMG Guidelines, 2015. Collection method: clinical testing. Allele origin: germline.

NM_001253852.3(AP4B1):c.670C>T (p.Arg224Cys)

Genes: AP4B1 (adaptor related protein complex 4 subunit beta 1; minus strand), AP4B1-AS1 (AP4B1 antisense RNA 1; plus strand). Cytogenetic location: 1p13.2.
Variant type: single nucleotide variant.
Coding change: c.670C>T on transcript NM_001253852.3 (MANE Select); coding-DNA position 670, C replaced by T.
Protein change: p.Arg224Cys; replaces arginine 224 with cysteine.
Molecular consequence: missense variant. On other transcripts: non-coding transcript variant (2).
Genome position (GRCh38, 1-based): chr1:113,900,348, G>A on the plus strand (C>T on the coding strand, the complement: AP4B1 is on the minus strand). VCF-style: chr1-113900348-G-A. GRCh37 (hg19) VCF-style: chr1-114442970-G-A.
Other names: c.373C>T, p.Arg125Cys (NM_001253853.3); c.166C>T, p.Arg56Cys (NM_001308312.2); c.670C>T, p.Arg224Cys (NM_006594.5); short protein forms R224C, R56C, R125C.
Identifiers: ClinVar variation 210196 (VCV000210196.13), dbSNP rs138216814, ClinGen allele CA206714.